The following is an entry in ClinVar:

ClinVar aggregate classification (germline): Likely benign (0 of 4 stars; one submission).

Conditions:
PRKAR1A-related disorder. Also called: PRKAR1A-related condition.

Allele frequency attached by ClinVar (database versions not stated): TOPMed 0.00009; gnomAD 0.00010.

Submission:

PreventionGenetics, part of Exact Sciences
Classification: Likely benign for PRKAR1A-related condition. Last evaluated: 2022-07-01. Review status: no assertion criteria provided. Collection method: clinical testing. Allele origin: germline.
Comment: This variant is classified as likely benign based on ACMG/AMP sequence variant interpretation guidelines (Richards et al. 2015 PMID: 25741868, with internal and published modifications).

NM_002734.5(PRKAR1A):c.-88G>A

Gene: PRKAR1A (protein kinase cAMP-dependent type I regulatory subunit alpha; plus strand). Cytogenetic location: 17q24.2.
Variant type: single nucleotide variant.
Coding change: c.-88G>A on transcript NM_002734.5 (MANE Select); 88 bases upstream of the start codon, G replaced by A.
Molecular consequence: 5 prime UTR variant. On other transcripts: intron variant (3).
Genome position (GRCh38, 1-based): chr17:68,512,467, G>A. VCF-style: chr17-68512467-G-A. GRCh37 (hg19) VCF-style: chr17-66508608-G-A.
Other names: c.-221G>A (NM_001276289.2); c.-119G>A (NM_212472.2); c.-6-2927G>A (NM_001278433.2); c.-140+325G>A (NM_001369389.1); c.-7+325G>A (NM_212471.3).
Identifiers: ClinVar variation 3052144 (VCV003052144.2), dbSNP rs1037260897, ClinGen allele CA293324038.